The following is an entry in ClinVar:

ClinVar aggregate classification (germline): Uncertain significance (1 of 4 stars; one submission).

gnomAD v4.1: 4 of 1,614,048 alleles (0.00025%); highest among the groups gnomAD compares: Admixed American, 0.0033%; no homozygotes.

Submission:

Labcorp Genetics (formerly Invitae), Labcorp
Classification: Uncertain significance. Last evaluated: 2025-06-24. Review status: criteria provided, single submitter. Criteria: Invitae Variant Classification Sherloc (09022015). Collection method: clinical testing. Allele origin: germline.
Comment: This sequence change replaces lysine, which is basic and polar, with glutamic acid, which is acidic and polar, at codon 119 of the BLVRA protein (p.Lys119Glu). This variant is present in population databases (rs750227587, gnomAD 0.003%). This variant has not been reported in the literature in individuals affected with BLVRA-related conditions. An algorithm developed to predict the effect of missense changes on protein structure and function (PolyPhen-2) suggests that this variant is likely to be tolerated. In summary, the available evidence is currently insufficient to determine the role of this variant in disease. Therefore, it has been classified as a Variant of Uncertain Significance.

NM_000712.4(BLVRA):c.355A>G (p.Lys119Glu)

Gene: BLVRA (biliverdin reductase A; plus strand). Cytogenetic location: 7p13.
Variant type: single nucleotide variant.
Coding change: c.355A>G on transcript NM_000712.4 (MANE Select); coding-DNA position 355, A replaced by G.
Protein change: p.Lys119Glu; replaces lysine 119 with glutamic acid.
Molecular consequence: missense variant.
Genome position (GRCh38, 1-based): chr7:43,800,467, A>G. VCF-style: chr7-43800467-A-G. GRCh37 (hg19) VCF-style: chr7-43840066-A-G.
Other names: c.355A>G, p.Lys119Glu (NM_001253823.2); short protein forms K119E.
Identifiers: ClinVar variation 4690757 (VCV004690757.1).